The following is an entry in ClinVar:

ClinVar aggregate classification (germline): Benign. Review status: criteria provided, multiple submitters, no conflicts (2 of 4 stars). 9 submissions from 8 submitters: Benign (7). 2 of the submissions do not count toward it. Last evaluated 2026-02-04.

Conditions:
Leigh syndrome (NULS). Also called: Leigh Disease; Subacute necrotizing encephalopathy; Necrotizing encephalopathy infantile subacute of Leigh; Leigh's necrotizing encephalopathy; Leigh's disease; Leigh Syndrome (mtDNA deletion). Identifiers: Orphanet 506, MedGen C2931891, MONDO:0009723, OMIM 256000.
Mitochondrial complex I deficiency, nuclear type 1. Also called: NADH-COENZYME Q REDUCTASE DEFICIENCY; MITOCHONDRIAL NADH DEHYDROGENASE COMPONENT OF COMPLEX I, DEFICIENCY OF. Identifiers: MedGen C6022305, MONDO:0100224, OMIM 252010.
Mitochondrial complex I deficiency, nuclear type 10. Also called: Mitochondrial complex 1 deficiency, nuclear type 10. Identifiers: MedGen C4748768, MONDO:0032616, OMIM 618233.

Allele frequency attached by ClinVar (database versions not stated): gnomAD exomes 0.57546 and 0.64968; gnomAD 0.63042 and 0.63465; ExAC 0.63875; TOPMed 0.64068; 1000 Genomes Project 30x 0.68988; 1000 Genomes Project 0.69289.
gnomAD v4.1: 900,379 of 1,547,454 alleles (58%); highest among the groups gnomAD compares: East Asian, 93%; 241,732 homozygotes.

Submissions (9):

Labcorp Genetics (formerly Invitae), Labcorp
Classification: Benign. Last evaluated: 2026-02-04. Review status: criteria provided, single submitter. Criteria: Invitae Variant Classification Sherloc (09022015). Collection method: clinical testing. Allele origin: germline.

Blueprint Genetics
Classification: Benign. Last evaluated: 2024-11-26. Review status: criteria provided, single submitter. Criteria: ACMG Guidelines, 2015. Collection method: clinical testing. Allele origin: germline.

Genome-Nilou Lab
Classification: Benign for Mitochondrial complex I deficiency, nuclear type 10. Last evaluated: 2021-09-05. Review status: criteria provided, single submitter. Criteria: ACMG Guidelines, 2015. Collection method: clinical testing. Allele origin: germline. Affected: no.

Illumina Laboratory Services, Illumina
Classification: Benign for Mitochondrial complex I deficiency, nuclear type 1. Last evaluated: 2018-01-13. Review status: criteria provided, single submitter. Criteria: ICSL Variant Classification Criteria 13 December 2019. Collection method: clinical testing. Allele origin: germline.
Comment: This variant was observed in the ICSL laboratory as part of a predisposition screen in an ostensibly healthy population. It had not been previously curated by ICSL or reported in the Human Gene Mutation Database (HGMD: prior to June 1st, 2018), and was therefore a candidate for classification through an automated scoring system. Utilizing variant allele frequency, disease prevalence and penetrance estimates, and inheritance mode, an automated score was calculated to assess if this variant is too frequent to cause the disease. Based on the score and internal cut-off values, a variant classified as benign is not then subjected to further curation. The score for this variant resulted in a classification of benign for this disease.

Illumina Laboratory Services, Illumina
Classification: Benign for Leigh syndrome. Last evaluated: 2018-01-13. Review status: criteria provided, single submitter. Criteria: ICSL Variant Classification Criteria 13 December 2019. Collection method: clinical testing. Allele origin: germline.
Comment: the same text as in the submission from Illumina Laboratory Services, Illumina above.

GeneDx
Classification: Benign. Last evaluated: 2015-03-03. Review status: criteria provided, single submitter. Criteria: GeneDx Variant Classification Process June 2021. Collection method: clinical testing. Allele origin: germline. Affected: yes.

Breakthrough Genomics
Classification: Benign. Review status: criteria provided, single submitter. Criteria: ACMG Guidelines, 2015. Collection method: not provided. Allele origin: germline. Inheritance: Autosomal recessive inheritance. Affected: yes.

Mayo Clinic Laboratories, Mayo Clinic
Classification: Benign. Last evaluated: 2016-02-19. Review status: no assertion criteria provided. Collection method: clinical testing. Allele origin: unknown. Not counted in ClinVar's aggregate classification.

Genetic Services Laboratory, University of Chicago
Classification: Likely benign for AllHighlyPenetrant. Review status: no assertion criteria provided. Collection method: clinical testing. Allele origin: germline. Inheritance: Autosomal recessive inheritance. Not counted in ClinVar's aggregate classification.
Comment: Likely benign based on allele frequency in 1000 Genomes Project or ESP global frequency and its presence in a patient with a rare or unrelated disease phenotype. NOT Sanger confirmed.

NM_174889.5(NDUFAF2):c.60G>A (p.Lys20=)

Gene: NDUFAF2 (NADH:ubiquinone oxidoreductase complex assembly factor 2; plus strand). Cytogenetic location: 5q12.1.
Variant type: single nucleotide variant.
Coding change: c.60G>A on transcript NM_174889.5 (MANE Select); coding-DNA position 60, G replaced by A.
Protein change: p.Lys20=; no amino-acid change (lysine 20 retained).
Molecular consequence: synonymous variant.
Genome position (GRCh38, 1-based): chr5:60,945,315, G>A. VCF-style: chr5-60945315-G-A. GRCh37 (hg19) VCF-style: chr5-60241142-G-A.
Identifiers: ClinVar variation 129691 (VCV000129691.28), dbSNP rs158921, ClinGen allele CA153853.